The following is an entry in ClinVar:

NM_152393.4(KLHL40):c.22G>A (p.Ala8Thr)

Gene: KLHL40 (kelch like family member 40; plus strand). Cytogenetic location: 3p22.1.
Variant type: single nucleotide variant.
Coding change: c.22G>A on transcript NM_152393.4 (MANE Select); coding-DNA position 22, G replaced by A.
Protein change: p.Ala8Thr; replaces alanine 8 with threonine.
Molecular consequence: missense variant.
Genome position (GRCh38, 1-based): chr3:42,685,640, G>A. VCF-style: chr3-42685640-G-A. GRCh37 (hg19) VCF-style: chr3-42727132-G-A.
Other names: short protein forms A8T.
Identifiers: ClinVar variation 972585 (VCV000972585.5), dbSNP rs772847156, ClinGen allele CA352288519.
Genomic context (GRCh38, chr3:42,685,640, plus strand): 5'-GCCCCCTTGGCACCGCCACCGCACCCTAGGCCACCCACCATGGCGCTGGGCTTGGAGCAG[G>A]CGGAGGAGCAGCGGTTGTACCAGCAGACGCTCCTGCAAGACGGGCTCAAAGACATGCTGG-3'
Protein context (NP_689606.2, residues 1-18): MALGLEQ[Ala8Thr]EEQRLYQQTL

ClinVar aggregate classification (germline): Uncertain significance (1 of 4 stars; one submission).

Conditions:
Nemaline myopathy 8 (NEM8). Also called: Nemaline myopathy 8, autosomal recessive. Identifiers: Orphanet 171430, MedGen C3809209, MONDO:0014138, OMIM 615348.

Allele frequency attached by ClinVar (database versions not stated): gnomAD exomes 0.00002.
gnomAD v4.1: 24 of 1,604,674 alleles (0.0015%); highest among the groups gnomAD compares: Non-Finnish European, 0.002%; no homozygotes.

Submission:

Labcorp Genetics (formerly Invitae), Labcorp
Classification: Uncertain significance for Nemaline myopathy 8. Last evaluated: 2022-06-03. Review status: criteria provided, single submitter. Criteria: Invitae Variant Classification Sherloc (09022015). Collection method: clinical testing. Allele origin: germline.
Comment: ClinVar contains an entry for this variant (Variation ID: 972585). This variant has not been reported in the literature in individuals affected with KLHL40-related conditions. This variant is not present in population databases (gnomAD no frequency). This sequence change replaces alanine, which is neutral and non-polar, with threonine, which is neutral and polar, at codon 8 of the KLHL40 protein (p.Ala8Thr). Algorithms developed to predict the effect of missense changes on protein structure and function are either unavailable or do not agree on the potential impact of this missense change (SIFT: "Deleterious"; PolyPhen-2: "Benign"; Align-GVGD: "Class C0"). In summary, the available evidence is currently insufficient to determine the role of this variant in disease. Therefore, it has been classified as a Variant of Uncertain Significance.